The following is an entry in ClinVar:

ClinVar aggregate classification (germline): Conflicting classifications of pathogenicity. Review status: criteria provided, conflicting classifications (1 of 4 stars). 4 submissions from 4 submitters: Uncertain significance (1); Likely benign (3). Last evaluated 2026-01-19.

Allele frequency attached by ClinVar (database versions not stated): gnomAD exomes 0.00012 and 0.00023; gnomAD 0.00013 and 0.00014; 1000 Genomes Project 30x 0.00016; ExAC 0.00016; TOPMed 0.00018; 1000 Genomes Project 0.00020.
gnomAD v4.1: 220 of 1,613,672 alleles (0.014%); highest among the groups gnomAD compares: Middle Eastern, 0.1%; no homozygotes.

Submissions (4):

Labcorp Genetics (formerly Invitae), Labcorp
Classification: Likely benign. Last evaluated: 2026-01-19. Review status: criteria provided, single submitter. Criteria: Invitae Variant Classification Sherloc (09022015). Collection method: clinical testing. Allele origin: germline.

Blueprint Genetics
Classification: Likely benign. Last evaluated: 2024-11-22. Review status: criteria provided, single submitter. Criteria: ACMG Guidelines, 2015. Collection method: clinical testing. Allele origin: germline.

CeGaT Center for Human Genetics Tuebingen
Classification: Uncertain significance. Last evaluated: 2024-05-01. Review status: criteria provided, single submitter. Criteria: CeGaT Center For Human Genetics Tuebingen Variant Classification Criteria Version 2. Collection method: clinical testing. Allele origin: germline. Affected: yes. Observed: 1 variant allele.
Comment: ACO2: PM2, BP4

GeneDx
Classification: Likely benign. Last evaluated: 2016-11-03. Review status: criteria provided, single submitter. Criteria: GeneDx Variant Classification (06012015). Collection method: clinical testing. Allele origin: germline. Affected: yes.
Comment: This variant is considered likely benign or benign based on one or more of the following criteria: it is a conservative change, it occurs at a poorly conserved position in the protein, it is predicted to be benign by multiple in silico algorithms, and/or has population frequency not consistent with disease.

NM_001098.3(ACO2):c.573T>C (p.Thr191=)

Gene: ACO2 (aconitase 2; plus strand). Cytogenetic location: 22q13.2.
Variant type: single nucleotide variant.
Coding change: c.573T>C on transcript NM_001098.3 (MANE Select); coding-DNA position 573, T replaced by C.
Protein change: p.Thr191=; no amino-acid change (threonine 191 retained).
Molecular consequence: synonymous variant.
Genome position (GRCh38, 1-based): chr22:41,515,424, T>C. VCF-style: chr22-41515424-T-C. GRCh37 (hg19) VCF-style: chr22-41911428-T-C.
Identifiers: ClinVar variation 377427 (VCV000377427.32), dbSNP rs527722269, ClinGen allele CA10257398.